The following is an entry in ClinVar:

ClinVar aggregate classification (germline): Uncertain significance (1 of 4 stars; one submission).

Conditions:
Torsion dystonia 6 (DYT6). Also called: DYT-THAP1. Identifiers: Orphanet 98806, MedGen C1414216, MONDO:0011264, OMIM 602629.

Submission:

Labcorp Genetics (formerly Invitae), Labcorp
Classification: Uncertain significance for Torsion dystonia 6. Last evaluated: 2022-05-07. Review status: criteria provided, single submitter. Criteria: Invitae Variant Classification Sherloc (09022015). Collection method: clinical testing. Allele origin: germline.
Comment: This variant has not been reported in the literature in individuals affected with THAP1-related conditions. This variant is not present in population databases (gnomAD no frequency). This sequence change replaces phenylalanine, which is neutral and non-polar, with valine, which is neutral and non-polar, at codon 81 of the THAP1 protein (p.Phe81Val). In summary, the available evidence is currently insufficient to determine the role of this variant in disease. Therefore, it has been classified as a Variant of Uncertain Significance. Algorithms developed to predict the effect of sequence changes on RNA splicing suggest that this variant may create or strengthen a splice site. Algorithms developed to predict the effect of missense changes on protein structure and function (SIFT, PolyPhen-2, Align-GVGD) all suggest that this variant is likely to be disruptive.

NM_018105.3(THAP1):c.241T>G (p.Phe81Val)

Gene: THAP1 (THAP domain containing 1; minus strand). Cytogenetic location: 8p11.21.
Variant type: single nucleotide variant.
Coding change: c.241T>G on transcript NM_018105.3 (MANE Select); coding-DNA position 241, T replaced by G.
Protein change: p.Phe81Val; replaces phenylalanine 81 with valine.
Molecular consequence: missense variant. On other transcripts: intron variant (1).
Genome position (GRCh38, 1-based): chr8:42,839,212, A>C on the plus strand (T>G on the coding strand, the complement: THAP1 is on the minus strand). VCF-style: chr8-42839212-A-C. GRCh37 (hg19) VCF-style: chr8-42694355-A-C.
Other names: c.72-876T>G (NM_199003.2); short protein forms F81V.
Identifiers: ClinVar variation 2017655 (VCV002017655.4), dbSNP rs118204013, ClinGen allele CA371107708.